The following is an entry in ClinVar:

ClinVar aggregate classification (germline): Pathogenic (1 of 4 stars; one submission).

Allele frequency attached by ClinVar (database versions not stated): gnomAD 0.00001.

Submission:

Labcorp Genetics (formerly Invitae), Labcorp
Classification: Pathogenic. Last evaluated: 2023-03-11. Review status: criteria provided, single submitter. Criteria: Invitae Variant Classification Sherloc (09022015). Collection method: clinical testing. Allele origin: germline.
Comment: This sequence change affects the initiator methionine of the ECHS1 mRNA. The next in-frame methionine is located at codon 103. The frequency data for this variant in the population databases is considered unreliable, as metrics indicate poor data quality at this position in the gnomAD database. Disruption of the initiator codon has been observed in individual(s) with Leigh syndrome (PMID: 25393721). In at least one individual the data is consistent with being in trans (on the opposite chromosome) from a pathogenic variant. ClinVar contains an entry for this variant (Variation ID: 1903474). Studies have shown that disruption of the initiator codon alters ECHS1 gene expression (PMID: 25393721). This variant disrupts a region of the ECHS1 protein in which other variant(s) (p.Ala2Val) have been determined to be pathogenic (PMID: 25393721, 32677908, 33139125, 33163364). This suggests that this is a clinically significant region of the protein, and that variants that disrupt it are likely to be disease-causing. For these reasons, this variant has been classified as Pathogenic.

Literature cited by the submitters: PubMed 25393721; PubMed 32677908; PubMed 33139125; PubMed 33163364.

NM_004092.4(ECHS1):c.2T>C (p.Met1Thr)

Genes: ECHS1 (enoyl-CoA hydratase, short chain 1; minus strand), LOC130005023 (ATAC-STARR-seq lymphoblastoid silent region 2977; plus strand). Cytogenetic location: 10q26.3.
Variant type: single nucleotide variant.
Coding change: c.2T>C on transcript NM_004092.4 (MANE Select); coding-DNA position 2, T replaced by C.
Protein change: p.Met1Thr; changes the start codon (methionine 1).
Molecular consequence: missense variant, initiator codon variant.
Genome position (GRCh38, 1-based): chr10:133,373,332, A>G on the plus strand (T>C on the coding strand, the complement: ECHS1 is on the minus strand). VCF-style: chr10-133373332-A-G. GRCh37 (hg19) VCF-style: chr10-135186836-A-G.
Other names: short protein forms M1T.
Identifiers: ClinVar variation 1903474 (VCV001903474.6), dbSNP rs587776497, ClinGen allele CA378824567.